The following is an entry in ClinVar:

ClinVar aggregate classification (germline): Conflicting classifications of pathogenicity. Review status: criteria provided, conflicting classifications (1 of 4 stars). 2 submissions from 2 submitters: Uncertain significance (1); Likely benign (1). Last evaluated 2024-09-20.

Conditions:
Inborn genetic diseases. Identifiers: MedGen C0950123, MeSH D030342.
Global developmental delay with speech and behavioral abnormalities. Identifiers: MedGen C5543226, MONDO:0030995, OMIM 619243.

Submissions (2):

3billion
Classification: Likely benign for Global developmental delay with speech and behavioral abnormalities. Last evaluated: 2024-09-20. Review status: criteria provided, single submitter. Criteria: ACMG Guidelines, 2015. Collection method: clinical testing. Allele origin: germline. Affected: no.
Comment: The variant was identified in at least one patient who was diagnosed with a different variant in another gene and showed no symptoms related to the gene containing the variant in question.

Ambry Genetics
Classification: Uncertain significance for Inborn genetic diseases. Last evaluated: 2022-09-22. Review status: criteria provided, single submitter. Criteria: Ambry Variant Classification Scheme 2023. Collection method: clinical testing. Allele origin: germline.

NM_001162501.2(TNRC6B):c.4739A>C (p.His1580Pro)

Gene: TNRC6B (trinucleotide repeat containing adaptor 6B; plus strand). Cytogenetic location: 22q13.1.
Variant type: single nucleotide variant.
Coding change: c.4739A>C on transcript NM_001162501.2 (MANE Select); coding-DNA position 4739, A replaced by C.
Protein change: p.His1580Pro; replaces histidine 1580 with proline.
Molecular consequence: missense variant.
Genome position (GRCh38, 1-based): chr22:40,315,343, A>C. VCF-style: chr22-40315343-A-C. GRCh37 (hg19) VCF-style: chr22-40711347-A-C.
Other names: c.2327A>C, p.His776Pro (NM_001024843.2); c.4409A>C, p.His1470Pro (NM_015088.3); short protein forms H1470P, H1580P, H776P.
Identifiers: ClinVar variation 2313018 (VCV002313018.3), dbSNP rs2518045920, ClinGen allele CA411669921.